The following is an entry in ClinVar:

NM_001369.3(DNAH5):c.4612_4613insATGAAAGAGAGAGACATTGTAT (p.Ala1538fs)

Genes: DNAH5-AS1 (DNAH5 antisense RNA 1; plus strand), DNAH5 (dynein axonemal heavy chain 5; minus strand). Cytogenetic location: 5p15.2.
Variant type: Insertion.
Coding change: c.4612_4613insATGAAAGAGAGAGACATTGTAT on transcript NM_001369.3 (MANE Select); coding-DNA positions 4612 to 4613, ATGAAAGAGAGAGACATTGTAT inserted.
Protein change: p.Ala1538fs; shifts the reading frame from alanine 1538.
Molecular consequence: frameshift variant.
Genome position: GRCh38 VCF-style: chr5-13862731-G-GATACAATGTCTCTCTCTTTCAT. GRCh37 (hg19) VCF-style: chr5-13862840-G-GATACAATGTCTCTCTCTTTCAT.
Other names: short protein forms A1538fs.
Identifiers: ClinVar variation 2751875 (VCV002751875.3), dbSNP rs2546974166, ClinGen allele CA2697547036.
Genomic context (GRCh38, chr5:13,862,731, plus strand): 5'-TTATTGTCCCATTCATTAATCACTTGCTTCAGCTTTTGCTCAATGTCTCTCTCTTTCACC[G>GATACAATGTCTCTCTCTTTCAT]CACTGATACAGATGTCCTATCAAAATGGCAAGCTCTCATGTTATTGCATGAAAGTCACAC-3'

ClinVar aggregate classification (germline): Pathogenic (1 of 4 stars; one submission).

Conditions:
Primary ciliary dyskinesia. Also called: Ciliary dyskinesia. Identifiers: Orphanet 244, MedGen C0008780, MONDO:0016575, HP:0012265.

Submission:

Labcorp Genetics (formerly Invitae), Labcorp
Classification: Pathogenic for Primary ciliary dyskinesia. Last evaluated: 2023-08-11. Review status: criteria provided, single submitter. Criteria: Invitae Variant Classification Sherloc (09022015). Collection method: clinical testing. Allele origin: germline.
Comment: This variant is not present in population databases (gnomAD no frequency). This sequence change creates a premature translational stop signal (p.Ala1538Aspfs*15) in the DNAH5 gene. It is expected to result in an absent or disrupted protein product. Loss-of-function variants in DNAH5 are known to be pathogenic (PMID: 11788826, 16627867). This variant has not been reported in the literature in individuals affected with DNAH5-related conditions. For these reasons, this variant has been classified as Pathogenic.

Literature cited by the submitters: PubMed 11788826; PubMed 16627867.